The following is an entry in ClinVar:

NM_178013.4(PRIMA1):c.146G>A (p.Arg49Gln)

Gene: PRIMA1 (proline rich membrane anchor 1; minus strand). Cytogenetic location: 14q32.12.
Variant type: single nucleotide variant.
Coding change: c.146G>A on transcript NM_178013.4 (MANE Select); coding-DNA position 146, G replaced by A.
Protein change: p.Arg49Gln; replaces arginine 49 with glutamine.
Molecular consequence: missense variant.
Genome position (GRCh38, 1-based): chr14:93,779,259, C>T on the plus strand (G>A on the coding strand, the complement: PRIMA1 is on the minus strand). VCF-style: chr14-93779259-C-T. GRCh37 (hg19) VCF-style: chr14-94245605-C-T.
Other names: short protein forms R49Q.
Identifiers: ClinVar variation 860641 (VCV000860641.8), dbSNP rs745490663, ClinGen allele CA7323099.

ClinVar aggregate classification (germline): Conflicting classifications of pathogenicity. Review status: criteria provided, conflicting classifications (1 of 4 stars). 2 submissions from 2 submitters: Uncertain significance (1); Likely benign (1). Last evaluated 2025-06-07.

Conditions:
Familial sleep-related hypermotor epilepsy. Also called: Autosomal Dominant Sleep-Related Hypermotor (Hyperkinetic) Epilepsy. Identifiers: Orphanet 98784, MedGen C3696898, MONDO:0000030.

Allele frequency attached by ClinVar (database versions not stated): gnomAD 0.00003; TOPMed 0.00003; ExAC 0.00004; gnomAD exomes 0.00004.
gnomAD v4.1: 45 of 1,540,084 alleles (0.0029%); highest among the groups gnomAD compares: African/African-American, 0.0057%; no homozygotes.

Submissions (2):

Ambry Genetics
Classification: Likely benign. Last evaluated: 2025-06-07. Review status: criteria provided, single submitter. Criteria: Ambry Variant Classification Scheme 2023. Collection method: clinical testing. Allele origin: germline.

Labcorp Genetics (formerly Invitae), Labcorp
Classification: Uncertain significance for Familial sleep-related hypermotor epilepsy. Last evaluated: 2022-08-16. Review status: criteria provided, single submitter. Criteria: Invitae Variant Classification Sherloc (09022015). Collection method: clinical testing. Allele origin: germline.
Comment: This sequence change replaces arginine, which is basic and polar, with glutamine, which is neutral and polar, at codon 49 of the PRIMA1 protein (p.Arg49Gln). This variant is present in population databases (rs745490663, gnomAD 0.03%). This variant has not been reported in the literature in individuals affected with PRIMA1-related conditions. ClinVar contains an entry for this variant (Variation ID: 860641). Algorithms developed to predict the effect of missense changes on protein structure and function output the following: SIFT: "Tolerated"; PolyPhen-2: "Benign"; Align-GVGD: "Class C0". The glutamine amino acid residue is found in multiple mammalian species, which suggests that this missense change does not adversely affect protein function. In summary, the available evidence is currently insufficient to determine the role of this variant in disease. Therefore, it has been classified as a Variant of Uncertain Significance.